The following is an entry in ClinVar:

NM_152618.3(BBS12):c.2T>C (p.Met1Thr)

Gene: BBS12 (Bardet-Biedl syndrome 12; plus strand). Cytogenetic location: 4q27.
Variant type: single nucleotide variant.
Coding change: c.2T>C on transcript NM_152618.3 (MANE Select); coding-DNA position 2, T replaced by C.
Protein change: p.Met1Thr; changes the start codon (methionine 1).
Molecular consequence: missense variant, initiator codon variant.
Genome position (GRCh38, 1-based): chr4:122,741,894, T>C. VCF-style: chr4-122741894-T-C. GRCh37 (hg19) VCF-style: chr4-123663049-T-C.
Other names: c.2T>C, p.Met1Thr (NM_001178007.2); short protein forms M1T.
Identifiers: ClinVar variation 556158 (VCV000556158.7), dbSNP rs1553941150, ClinGen allele CA358221977.

ClinVar aggregate classification (germline): Uncertain significance. Review status: criteria provided, multiple submitters, no conflicts (2 of 4 stars). 4 submissions from 4 submitters: Uncertain significance (3). 1 of the submissions does not count toward it. Last evaluated 2026-01-19.

Conditions:
Bardet-Biedl syndrome 12 (BBS12). Identifiers: Orphanet 110, MedGen C1859570, MONDO:0014440, OMIM 615989.
Bardet-Biedl syndrome (BBS). Identifiers: Orphanet 110, MedGen C0752166, MONDO:0015229.

Allele frequency attached by ClinVar (database versions not stated): gnomAD exomes below 0.00001.

Submissions (4):

Labcorp Genetics (formerly Invitae), Labcorp
Classification: Uncertain significance for Bardet-Biedl syndrome. Last evaluated: 2026-01-19. Review status: criteria provided, single submitter. Criteria: Invitae Variant Classification Sherloc (09022015). Collection method: clinical testing. Allele origin: germline.
Comment: This sequence change affects the initiator codon of the BBS12 mRNA. This change may impact translation initiation or efficiency. The next in-frame methionine is located at codon 3. This variant is not present in population databases (gnomAD no frequency). This variant has not been reported in the literature in individuals affected with BBS12-related conditions. ClinVar contains an entry for this variant (Variation ID: 556158). Experimental studies and prediction algorithms are not available or were not evaluated, and the functional significance of this variant is currently unknown. In summary, the available evidence is currently insufficient to determine the role of this variant in disease. Therefore, it has been classified as a Variant of Uncertain Significance.

Myriad Genetics, Inc.
Classification: Uncertain significance for Bardet-Biedl syndrome 12. Last evaluated: 2025-08-20. Review status: criteria provided, single submitter. Criteria: Myriad Autosomal Dominant, Autosomal Recessive and X-Linked Classification Criteria (2023). Collection method: clinical testing. Allele origin: unknown.
Comment: NM_152618.2(BBS12):c.2T>C(M1?) is an initiation codon variant classified as a variant of uncertain significance in the context of Bardet-Biedl syndrome, BBS12-related. M1? has not been observed in cases with relevant disease. Relevant functional assessments of this variant are not available in the literature. M1? has not been observed in referenced population frequency databases. In summary, there is insufficient evidence to classify NM_152618.2(BBS12):c.2T>C(M1?) as pathogenic or benign. Please note: this variant was assessed in the context of healthy population screening.

Blueprint Genetics
Classification: Uncertain significance. Last evaluated: 2021-06-28. Review status: criteria provided, single submitter. Criteria: ACMG Guidelines, 2015. Collection method: clinical testing. Allele origin: germline.

Counsyl
Classification: Likely pathogenic for Bardet-Biedl syndrome 12. Last evaluated: 2018-01-22. Review status: no assertion criteria provided. Collection method: clinical testing. Allele origin: unknown. Not counted in ClinVar's aggregate classification.